The following is an entry in ClinVar:

ClinVar aggregate classification (germline): Uncertain significance (1 of 4 stars; one submission).

Allele frequency attached by ClinVar (database versions not stated): gnomAD exomes below 0.00001; TOPMed below 0.00001; gnomAD 0.00001.
gnomAD v4.1: 3 of 1,613,990 alleles (0.00019%); highest among the groups gnomAD compares: Admixed American, 0.0017%; no homozygotes.

Submission:

Labcorp Genetics (formerly Invitae), Labcorp
Classification: Uncertain significance. Last evaluated: 2022-05-27. Review status: criteria provided, single submitter. Criteria: Invitae Variant Classification Sherloc (09022015). Collection method: clinical testing. Allele origin: germline.
Comment: In summary, the available evidence is currently insufficient to determine the role of this variant in disease. Therefore, it has been classified as a Variant of Uncertain Significance. Algorithms developed to predict the effect of missense changes on protein structure and function (SIFT, PolyPhen-2, Align-GVGD) all suggest that this variant is likely to be disruptive. This variant has not been reported in the literature in individuals affected with LRP6-related conditions. This variant is not present in population databases (gnomAD no frequency). This sequence change replaces proline, which is neutral and non-polar, with threonine, which is neutral and polar, at codon 1527 of the LRP6 protein (p.Pro1527Thr).

NM_002336.3(LRP6):c.4579C>A (p.Pro1527Thr)

Gene: LRP6 (LDL receptor related protein 6; minus strand). Cytogenetic location: 12p13.2.
Variant type: single nucleotide variant.
Coding change: c.4579C>A on transcript NM_002336.3 (MANE Select); coding-DNA position 4579, C replaced by A.
Protein change: p.Pro1527Thr; replaces proline 1527 with threonine.
Molecular consequence: missense variant.
Genome position (GRCh38, 1-based): chr12:12,121,389, G>T on the plus strand (C>A on the coding strand, the complement: LRP6 is on the minus strand). VCF-style: chr12-12121389-G-T. GRCh37 (hg19) VCF-style: chr12-12274323-G-T.
Other names: c.4444C>A, p.Pro1482Thr (NM_001414246.1); c.4381C>A, p.Pro1461Thr (NM_001414247.1); c.*55C>A (NM_001414248.1); c.4216C>A, p.Pro1406Thr (NM_001414251.1); c.4126C>A, p.Pro1376Thr (NM_001414252.1, NM_001414253.1, NM_001414254.1); c.4072C>A, p.Pro1358Thr (NM_001414255.1); c.4672C>A, p.Pro1558Thr (NM_001414244.1); c.4579C>A, p.Pro1527Thr (NM_001414245.1); short protein forms P1358T, P1406T, P1482T, P1527T, P1376T, P1461T, P1558T.
Identifiers: ClinVar variation 1999425 (VCV001999425.4), dbSNP rs1949603338, ClinGen allele CA383947972.